The following is an entry in ClinVar:

ClinVar aggregate classification (germline): Uncertain significance (1 of 4 stars; one submission).

Allele frequency attached by ClinVar (database versions not stated): gnomAD exomes below 0.00001.
gnomAD v4.1: 9 of 1,614,094 alleles (0.00056%); highest among the groups gnomAD compares: East Asian, 0.0022%; no homozygotes.

Submission:

GeneDx
Classification: Uncertain significance. Last evaluated: 2014-09-09. Review status: criteria provided, single submitter. Criteria: GeneDx Variant Classification (06012015). Collection method: clinical testing. Allele origin: germline. Affected: yes.
Comment: Missense variants in the TTN gene are considered 'unclassified' if they are not previously reported in the literature and do not have >1% frequency in the population to be considered a polymorphism. Research indicates that truncating mutations in the TTN gene are expected to account for approximately 25% of familial and 18% of sporadic idiopathic DCM; however, truncating variants in the TTN gene have been reported in approximately 3% of reported control alleles. There has been little investigation into non-truncating variants. (Herman D et al. Truncations of titin causing dilated cardiomyopathy. N Eng J Med 366:619-628, 2012) The variant is found in DCM-CRDM panel(s).

NM_001267550.2(TTN):c.8710G>A (p.Glu2904Lys)

Gene: TTN (titin; minus strand). Cytogenetic location: 2q31.2.
Variant type: single nucleotide variant.
Coding change: c.8710G>A on transcript NM_001267550.2 (MANE Select); coding-DNA position 8710, G replaced by A.
Protein change: p.Glu2904Lys; replaces glutamic acid 2904 with lysine.
Molecular consequence: missense variant.
Genome position (GRCh38, 1-based): chr2:178,769,871, C>T on the plus strand (G>A on the coding strand, the complement: TTN is on the minus strand). VCF-style: chr2-178769871-C-T. GRCh37 (hg19) VCF-style: chr2-179634598-C-T.
Other names: p.E2904K:GAG>AAG; c.8710G>A, p.Glu2904Lys (NM_001256850.1, NM_133378.4, NM_133379.5); c.8572G>A, p.Glu2858Lys (NM_003319.4, NM_133432.3, NM_133437.4); short protein forms E2904K, E2858K.
Identifiers: ClinVar variation 203164 (VCV000203164.2), dbSNP rs794729583, ClinGen allele CA311527.